The following is an entry in ClinVar:

ClinVar aggregate classification (germline): Uncertain significance (1 of 4 stars; one submission).

Conditions:
STAT3 gain of function. Identifiers: MedGen C4288261.
Hyper-IgE recurrent infection syndrome 1, autosomal dominant. Also called: JOB SYNDROME; Job's Syndrome; STAT3 Hyper IgE Syndrome; Hyper-IgE recurrent infection syndrome 1; HYPER-IgE SYNDROME 1, AUTOSOMAL DOMINANT, WITH RECURRENT INFECTIONS. Identifiers: Orphanet 2314, MedGen C2936739, MONDO:0007818, OMIM 147060.

Submission:

Labcorp Genetics (formerly Invitae), Labcorp
Classification: Uncertain significance for STAT3 gain of function; Hyper-IgE recurrent infection syndrome 1, autosomal dominant. Last evaluated: 2025-05-13. Review status: criteria provided, single submitter. Criteria: Invitae Variant Classification Sherloc (09022015). Collection method: clinical testing. Allele origin: germline.
Comment: This sequence change replaces proline, which is neutral and non-polar, with leucine, which is neutral and non-polar, at codon 746 of the STAT3 protein (p.Pro746Leu). This variant is not present in population databases (gnomAD no frequency). This variant has not been reported in the literature in individuals affected with STAT3-related conditions. Invitae Evidence Modeling of protein sequence and biophysical properties (such as structural, functional, and spatial information, amino acid conservation, physicochemical variation, residue mobility, and thermodynamic stability) indicates that this missense variant is not expected to disrupt STAT3 protein function with a negative predictive value of 95%. In summary, the available evidence is currently insufficient to determine the role of this variant in disease. Therefore, it has been classified as a Variant of Uncertain Significance.

NM_139276.3(STAT3):c.2237C>T (p.Pro746Leu)

Gene: STAT3 (signal transducer and activator of transcription 3; minus strand). Cytogenetic location: 17q21.2.
Variant type: single nucleotide variant.
Coding change: c.2237C>T on transcript NM_139276.3 (MANE Select); coding-DNA position 2237, C replaced by T.
Protein change: p.Pro746Leu; replaces proline 746 with leucine.
Molecular consequence: missense variant. On other transcripts: 3 prime UTR variant (7).
Genome position (GRCh38, 1-based): chr17:42,316,809, G>A on the plus strand (C>T on the coding strand, the complement: STAT3 is on the minus strand). VCF-style: chr17-42316809-G-A. GRCh37 (hg19) VCF-style: chr17-40468827-G-A.
Other names: c.2237C>T, p.Pro746Leu (NM_001369512.1, NM_001369513.1); c.2234C>T, p.Pro745Leu (NM_001369514.1, NM_001369516.1, NM_003150.4); c.*18C>T (NM_001369517.1, NM_001369518.1, NM_001369519.1 and 4 more transcripts); c.2153C>T, p.Pro718Leu (NM_001384984.1); c.2159C>T, p.Pro720Leu (NM_001384985.1); c.2216C>T, p.Pro739Leu (NM_001384987.1); c.2141C>T, p.Pro714Leu (NM_001384988.1); c.2138C>T, p.Pro713Leu (NM_001384989.1); and 3 more; short protein forms P726L, P739L, P745L, P714L, P718L, P720L, P746L, P713L.
Identifiers: ClinVar variation 4789416 (VCV004789416.1).